The following is an entry in ClinVar:

NM_017780.4(CHD7):c.8759G>C (p.Gly2920Ala)

Gene: CHD7 (chromodomain helicase DNA binding protein 7; plus strand). Cytogenetic location: 8q12.2.
Variant type: single nucleotide variant.
Coding change: c.8759G>C on transcript NM_017780.4 (MANE Select); coding-DNA position 8759, G replaced by C.
Protein change: p.Gly2920Ala; replaces glycine 2920 with alanine.
Molecular consequence: missense variant.
Genome position (GRCh38, 1-based): chr8:60,865,698, G>C. VCF-style: chr8-60865698-G-C. GRCh37 (hg19) VCF-style: chr8-61778257-G-C.
Other names: c.2612G>C, p.Gly871Ala (NM_001316690.1); short protein forms G2920A, G871A.
Identifiers: ClinVar variation 589255 (VCV000589255.11), dbSNP rs769008751, ClinGen allele CA4761065.

ClinVar aggregate classification (germline): Conflicting classifications of pathogenicity. Review status: criteria provided, conflicting classifications (1 of 4 stars). 4 submissions from 4 submitters: Uncertain significance (2); Benign (2). Last evaluated 2024-09-18.

Conditions:
Inborn genetic diseases. Identifiers: MedGen C0950123, MeSH D030342.
CHARGE syndrome (CHARGE). Also called: Coloboma, heart anomaly, choanal atresia, retardation, genital and ear anomalies; CHARGE association; Hall-Hittner syndrome; Hittner Hirsch Kreh syndrome; CHARGE ASSOCIATION--COLOBOMA, HEART ANOMALY, CHOANAL ATRESIA, RETARDATION, GENITAL AND EAR ANOMALIES. Identifiers: Orphanet 138, MedGen C0265354, MONDO:0008965.
Hypogonadotropic hypogonadism 5 with or without anosmia (KAL5). Also called: HYPOGONADOTROPIC HYPOGONADISM 5 WITH ANOSMIA; HYPOGONADOTROPHIC HYPOGONADISM 5 WITHOUT ANOSMIA; CHD7-Related GnRH Deficiency (Kallmann Syndrome 5). Identifiers: Orphanet 478, MedGen C3552553, MONDO:0012880, OMIM 612370. Disease mechanism: loss of function.

Allele frequency attached by ClinVar (database versions not stated): gnomAD exomes below 0.00001 and 0.00001; gnomAD 0.00001 and 0.00002; ExAC 0.00002; TOPMed 0.00002.

Submissions (4):

Labcorp Genetics (formerly Invitae), Labcorp
Classification: Benign for CHARGE syndrome. Last evaluated: 2024-09-18. Review status: criteria provided, single submitter. Criteria: Invitae Variant Classification Sherloc (09022015). Collection method: clinical testing. Allele origin: germline.

Fulgent Genetics
Classification: Uncertain significance for CHD7-related CHARGE syndrome; Hypogonadotropic hypogonadism 5 with or without anosmia. Last evaluated: 2024-03-18. Review status: criteria provided, single submitter. Criteria: ACMG Guidelines, 2015. Collection method: clinical testing. Allele origin: germline.

Ambry Genetics
Classification: Uncertain significance for Inborn genetic diseases. Last evaluated: 2016-04-08. Review status: criteria provided, single submitter. Criteria: Ambry Variant Classification Scheme 2023. Collection method: clinical testing. Allele origin: germline.
Comment: The p.G2920A variant (also known as c.8759G>C), located in coding exon 37 of the CHD7 gene, results from a G to C substitution at nucleotide position 8759. The glycine at codon 2920 is replaced by alanine, an amino acid with similar properties. This variant was not reported in population based cohorts in the following databases: Database of Single Nucleotide Polymorphisms (dbSNP), NHLBI Exome Sequencing Project (ESP), and 1000 Genomes Project. In the ESP, this variant was not observed in 6083 samples (12166 alleles) with coverage at this position. Based on data from ExAC, the C allele has an overall frequency of approximately <0.01% (2/104408). This amino acid position is highly conserved in available vertebrate species. In addition, the in silico prediction for this alteration is inconclusive. Since supporting evidence is limited at this time, the clinical significance of this alteration remains unclear.

GeneDx
Classification: Benign. Last evaluated: 2015-03-03. Review status: criteria provided, single submitter. Criteria: GeneDx Variant Classification Process June 2021. Collection method: clinical testing. Allele origin: germline. Affected: yes.